The following is an entry in ClinVar:

NM_000137.4(FAH):c.1193G>A (p.Gly398Glu)

Gene: FAH (fumarylacetoacetate hydrolase; plus strand). Cytogenetic location: 15q25.1.
Variant type: single nucleotide variant.
Coding change: c.1193G>A on transcript NM_000137.4 (MANE Select); coding-DNA position 1193, G replaced by A.
Protein change: p.Gly398Glu; replaces glycine 398 with glutamic acid.
Molecular consequence: missense variant.
Genome position (GRCh38, 1-based): chr15:80,186,142, G>A. VCF-style: chr15-80186142-G-A. GRCh37 (hg19) VCF-style: chr15-80478484-G-A.
Other names: c.1193G>A, p.Gly398Glu (NM_001374377.1, NM_001374380.1); short protein forms G398E.
Identifiers: ClinVar variation 965540 (VCV000965540.11), dbSNP rs141946827, ClinGen allele CA7691527.

ClinVar aggregate classification (germline): Uncertain significance. Review status: criteria provided, multiple submitters, no conflicts (2 of 4 stars). 5 submissions from 5 submitters: Uncertain significance (4). 1 of the submissions does not count toward it. Last evaluated 2025-12-24.

Conditions:
Tyrosinemia type I (TYRSN1). Also called: Tyrosinemia type 1; Fumarylacetoacetase deficiency; Deficiency of fumarylacetoacetase; FAH DEFICIENCY; HEPATORENAL TYROSINEMIA. Identifiers: Orphanet 882, MedGen C0268490, MONDO:0010161, OMIM 276700. Disease mechanism: loss of function.

Allele frequency attached by ClinVar (database versions not stated): gnomAD 0.00010 and 0.00011; TOPMed 0.00011; ExAC 0.00012; ESP Exome Variant Server 0.00015; gnomAD exomes 0.00015 and 0.00018.
gnomAD v4.1: 275 of 1,614,016 alleles (0.017%); highest among the groups gnomAD compares: Non-Finnish European, 0.023%; no homozygotes.

Submissions (5):

Labcorp Genetics (formerly Invitae), Labcorp
Classification: Uncertain significance for Tyrosinemia type I. Last evaluated: 2025-12-24. Review status: criteria provided, single submitter. Criteria: Invitae Variant Classification Sherloc (09022015). Collection method: clinical testing. Allele origin: germline.
Comment: This sequence change replaces glycine, which is neutral and non-polar, with glutamic acid, which is acidic and polar, at codon 398 of the FAH protein (p.Gly398Glu). This variant is present in population databases (rs141946827, gnomAD 0.03%). This variant has not been reported in the literature in individuals affected with FAH-related conditions. ClinVar contains an entry for this variant (Variation ID: 965540). Invitae Evidence Modeling of protein sequence and biophysical properties (such as structural, functional, and spatial information, amino acid conservation, physicochemical variation, residue mobility, and thermodynamic stability) indicates that this missense variant is not expected to disrupt FAH protein function with a negative predictive value of 80%. Experimental studies have shown that this missense change affects FAH function (PMID: 30954369). In summary, the available evidence is currently insufficient to determine the role of this variant in disease. Therefore, it has been classified as a Variant of Uncertain Significance.

Blueprint Genetics
Classification: Uncertain significance. Last evaluated: 2024-11-05. Review status: criteria provided, single submitter. Criteria: ACMG Guidelines, 2015. Collection method: clinical testing. Allele origin: germline.

Fulgent Genetics
Classification: Uncertain significance for Tyrosinemia type I. Last evaluated: 2024-03-18. Review status: criteria provided, single submitter. Criteria: ACMG Guidelines, 2015. Collection method: clinical testing. Allele origin: germline.

Women's Health and Genetics/Laboratory Corporation of America, LabCorp
Classification: Uncertain significance. Last evaluated: 2022-05-27. Review status: criteria provided, single submitter. Criteria: LabCorp Variant Classification Summary - May 2015. Collection method: clinical testing. Allele origin: germline.
Comment: Variant summary: FAH c.1193G>A (p.Gly398Glu) results in a non-conservative amino acid change located in the Fumarylacetoacetase-like, C-terminal domain (IPR011234) of the encoded protein sequence. Four of five in-silico tools predict a damaging effect of the variant on protein function. The variant allele was found at a frequency of 0.00015 in 251372 control chromosomes (gnomAD). This frequency is not significantly higher than expected for a pathogenic variant in FAH causing Tyrosinemia Type 1 (0.00015 vs 0.0025), allowing no conclusion about variant significance. c.1193G>A has been reported in the literature in one compound heterozygous individual affected with Tyrosinemia Type 1 (Morrow_2019). The variant was found occuring in cis with a second missense variant (c.775G>C). Functionally, the variant of interest had 42-52% activity when expressed in HeLa cells, suggesting it is a significant contributor to patient phenotype. The in cis variant (c.775G>C) did not appreciably impact protein function on its own (65-95% activity). However, in combination, these two variants reduced FAH activity even further to 24-26% (Morrow_2019). Two ClinVar submitters have assessed the variant since 2014: both classified the variant as of uncertain significance. Based on the evidence outlined above, the variant was classified as VUS-possibly pathogenic.

Natera, Inc.
Classification: Uncertain significance for Tyrosinemia type I. Last evaluated: 2020-04-21. Review status: no assertion criteria provided. Collection method: clinical testing. Allele origin: germline. Not counted in ClinVar's aggregate classification.

Literature cited by the submitters: PubMed 30954369 (cited by Labcorp Genetics (formerly Invitae), Labcorp and Women's Health and Genetics/Laboratory Corporation of America, LabCorp).